The following is an entry in ClinVar:

NM_001927.4(DES):c.452T>C (p.Val151Ala)

Gene: DES (desmin; plus strand). Cytogenetic location: 2q35.
Variant type: single nucleotide variant.
Coding change: c.452T>C on transcript NM_001927.4 (MANE Select); coding-DNA position 452, T replaced by C.
Protein change: p.Val151Ala; replaces valine 151 with alanine.
Molecular consequence: missense variant.
Genome position (GRCh38, 1-based): chr2:219,418,914, T>C. VCF-style: chr2-219418914-T-C. GRCh37 (hg19) VCF-style: chr2-220283636-T-C.
Other names: c.452T>C, p.Val151Ala (NM_001382708.1, NM_001382709.1, NM_001382710.1 and 3 more transcripts); short protein forms V151A.
Identifiers: ClinVar variation 4790634 (VCV004790634.1).
Genomic context (GRCh38, chr2:219,418,914, plus strand): 5'-AGCAGAACGCGGCGCTCGCCGCCGAAGTGAACCGGCTCAAGGGCCGCGAGCCGACGCGAG[T>C]GGCCGAGCTCTACGAGGAGGAGCTGCGGGAGCTGCGGCGCCAGGTGGAGGTGCTCACTAA-3'
Protein context (NP_001918.3, residues 141-161): NRLKGREPTR[Val151Ala]AELYEEELRE

ClinVar aggregate classification (germline): Uncertain significance (1 of 4 stars; one submission).

Conditions:
Desmin-related myofibrillar myopathy (MFM1). Also called: Desminopathy; Desmin related myopathy (former name); Desmin storage myopathy (former name); Myofibrillar myopathy 1; MYOFIBRILLAR MYOPATHY WITH ARRHYTHMOGENIC RIGHT VENTRICULAR CARDIOMYOPATHY; DESMIN-RELATED MYOPATHY WITH ARRHYTHMOGENIC RIGHT VENTRICULAR CARDIOMYOPATHY. Identifiers: Orphanet 363543, Orphanet 98909, MedGen C1832370, MONDO:0011076, OMIM 601419.

Submission:

Labcorp Genetics (formerly Invitae), Labcorp
Classification: Uncertain significance for Desmin-related myofibrillar myopathy. Last evaluated: 2025-08-03. Review status: criteria provided, single submitter. Criteria: Invitae Variant Classification Sherloc (09022015). Collection method: clinical testing. Allele origin: germline.
Comment: This sequence change replaces valine, which is neutral and non-polar, with alanine, which is neutral and non-polar, at codon 151 of the DES protein (p.Val151Ala). This variant is not present in population databases (gnomAD no frequency). This variant has not been reported in the literature in individuals affected with DES-related conditions. Invitae Evidence Modeling of protein sequence and biophysical properties (such as structural, functional, and spatial information, amino acid conservation, physicochemical variation, residue mobility, and thermodynamic stability) has been performed for this missense variant. However, the output from this modeling did not meet the statistical confidence thresholds required to predict the impact of this variant on DES protein function. In summary, the available evidence is currently insufficient to determine the role of this variant in disease. Therefore, it has been classified as a Variant of Uncertain Significance.